The following is an entry in ClinVar:

ClinVar aggregate classification (germline): Uncertain significance. Review status: criteria provided, multiple submitters, no conflicts (2 of 4 stars). 3 submissions from 3 submitters: Uncertain significance (3). Last evaluated 2025-10-03.

Conditions:
Familial Mediterranean fever, autosomal dominant. Also called: Dominant Familial Mediterranean Fever; FMF, AUTOSOMAL DOMINANT. Identifiers: Orphanet 342, MedGen C1851347, MONDO:0007601, OMIM 134610.
Acute febrile neutrophilic dermatosis (AFND). Also called: Sweet Syndrome; Gomm Button disease. Identifiers: Orphanet 3243, MedGen C0085077, MONDO:0011959, OMIM 608068.
Familial Mediterranean fever (FMF). Also called: POLYSEROSITIS, FAMILIAL PAROXYSMAL; POLYSEROSITIS, RECURRENT; Periodic peritonitis; Benign paroxysmal peritonitis. Identifiers: Orphanet 342, MedGen C0031069, MONDO:0018088, OMIM 249100. Disease mechanism: gain of function.

Submissions (3):

Women's Health and Genetics/Laboratory Corporation of America, LabCorp
Classification: Uncertain significance. Last evaluated: 2025-10-03. Review status: criteria provided, single submitter. Criteria: LabCorp Variant Classification Summary - May 2015. Collection method: clinical testing. Allele origin: germline.
Comment: Variant summary: MEFV c.427_442dup16 (p.Glu148AlafsX99) results in a premature termination codon, predicted to cause a truncation of the encoded protein or absence of the protein due to nonsense mediated decay, however current evidence is not sufficient to establish loss of function as a mechanism for disease. The variant allele was found at a frequency of 4.3e-06 in 234246 control chromosomes. The available data on variant occurrences in the general population are insufficient to allow any conclusion about variant significance. To our knowledge, no occurrence of c.427_442dup16 in individuals affected with MEFV-related conditions and no experimental evidence demonstrating its impact on protein function have been reported. ClinVar contains an entry for this variant (Variation ID: 234354). Based on the evidence outlined above, the variant was classified as uncertain significance.

Fulgent Genetics
Classification: Uncertain significance for Familial Mediterranean fever, autosomal dominant; Familial Mediterranean fever; Acute febrile neutrophilic dermatosis. Last evaluated: 2024-02-27. Review status: criteria provided, single submitter. Criteria: ACMG Guidelines, 2015. Collection method: clinical testing. Allele origin: germline.

GeneDx
Classification: Uncertain significance. Last evaluated: 2015-12-28. Review status: criteria provided, single submitter. Criteria: GeneDx Variant Classification (06012015). Collection method: clinical testing. Allele origin: germline. Affected: yes.
Comment: To our knowledge, the c.427_442dup16 variant has neither been published as a pathogenic variant, nor as a benign variant. It causes a frameshift in exon 2 starting with glutamic acid 148, changes this amino acid to an alanine residue and creates a premature Stop codon at position 99 of the new reading frame, denoted p.E148AfsX99. This variant is predicted to cause loss of normal protein function either through protein truncation or nonsense-mediated mRNA decay. In addition, the c.427_442dup16 variant was not observed in approximately 6,300 individuals of European and African American ancestry in the NHLBI Exome Sequencing Project, indicating it is not a common benign variant in these populations. However, pathogenic variants in the MEFV gene resulting in the creation of a Stop codon are very rare, with only two reported (Notarnicola et al., 2001; Berdeli et al., 2011). As such, their pathogenicity in relation to FMF is not clearly defined.

NM_000243.3(MEFV):c.427_442dup (p.Glu148fs)

Gene: MEFV (MEFV innate immunity regulator, pyrin; minus strand). Cytogenetic location: 16p13.3.
Variant type: Duplication.
Coding change: c.427_442dup on transcript NM_000243.3 (MANE Select); coding-DNA positions 427 to 442, 16 bases duplicated (CGGTGCAGCCAGCCCG).
Protein change: p.Glu148fs; shifts the reading frame from glutamic acid 148.
Molecular consequence: frameshift variant. On other transcripts: intron variant (1).
Genome position (GRCh38, 1-based): chr16:3,254,626-3,254,641, CGGGCTGGCTGCACCG duplicated on the plus strand (CGGTGCAGCCAGCCCG on the coding strand, the reverse complement: MEFV is on the minus strand); duplicating any 16 consecutive bases within chr16:3,254,626-3,254,642 gives the same sequence; the c. name uses the placement nearest the transcript's 3' end. VCF-style (leftmost placement, unchanged base first): chr16-3254625-T-TCGGGCTGGCTGCACCG. GRCh37 (hg19) VCF-style: chr16-3304625-T-TCGGGCTGGCTGCACCG.
Other names: c.427_442dupCGGTGCAGCCAGCCCG (NM_000243.2); c.277+1670_277+1685dup (NM_001198536.2); c.427_442dup16 (NM_000243.3); short protein forms E148fs.
Identifiers: ClinVar variation 234354 (VCV000234354.4), dbSNP rs876660992, ClinGen allele CA10577523.